The following is an entry in ClinVar:

ClinVar aggregate classification (germline): Conflicting classifications of pathogenicity. Review status: criteria provided, conflicting classifications (1 of 4 stars). 6 submissions from 6 submitters: Uncertain significance (2); Likely benign (4). Last evaluated 2026-05-01.

Conditions:
Cardiovascular phenotype. Identifiers: MedGen CN230736.
Dilated cardiomyopathy 1G (CMD1G). Identifiers: Orphanet 154, MedGen C1858763, MONDO:0011400, OMIM 604145.
Autosomal recessive limb-girdle muscular dystrophy type 2J (LGMDR10). Also called: Limb-girdle muscular dystrophy, type 2J; MUSCULAR DYSTROPHY, LIMB-GIRDLE, AUTOSOMAL RECESSIVE 10. Identifiers: Orphanet 140922, MedGen C1837342, MONDO:0012127, OMIM 608807.

Allele frequency attached by ClinVar (database versions not stated): ExAC 0.00001; gnomAD 0.00001 and 0.00002; gnomAD exomes 0.00001 and 0.00002; TOPMed 0.00003; ESP Exome Variant Server 0.00008.
gnomAD v4.1: 18 of 1,613,470 alleles (0.0011%); highest among the groups gnomAD compares: Non-Finnish European, 0.0014%; no homozygotes.

Submissions (6):

CeGaT Center for Human Genetics Tuebingen
Classification: Likely benign. Last evaluated: 2026-05-01. Review status: criteria provided, single submitter. Criteria: CeGaT Center For Human Genetics Tuebingen Variant Classification Criteria Version 2. Collection method: clinical testing. Allele origin: germline. Affected: yes. Observed: 1 variant allele.
Comment: TTN: BP4, BP7

Molecular Diagnostic Laboratory for Inherited Cardiovascular Disease, Montreal Heart Institute
Classification: Likely benign. Last evaluated: 2025-04-09. Review status: criteria provided, single submitter. Criteria: ACMG Guidelines, 2015. Collection method: clinical testing. Allele origin: germline. Affected: no.

Women's Health and Genetics/Laboratory Corporation of America, LabCorp
Classification: Likely benign. Last evaluated: 2023-12-07. Review status: criteria provided, single submitter. Criteria: LabCorp Variant Classification Summary - May 2015. Collection method: clinical testing. Allele origin: germline.

Ambry Genetics
Classification: Likely benign for Cardiovascular phenotype. Last evaluated: 2022-11-04. Review status: criteria provided, single submitter. Criteria: Ambry Variant Classification Scheme 2023. Collection method: clinical testing. Allele origin: germline.

Labcorp Genetics (formerly Invitae), Labcorp
Classification: Uncertain significance for Dilated cardiomyopathy 1G; Autosomal recessive limb-girdle muscular dystrophy type 2J. Last evaluated: 2017-11-22. Review status: criteria provided, single submitter. Criteria: Invitae Variant Classification Sherloc (09022015). Collection method: clinical testing. Allele origin: germline.
Comment: This sequence change affects codon 26356 of the TTN mRNA. It is a 'silent' change, meaning that it does not change the encoded amino acid sequence of the TTN protein. This variant is present in population databases (rs375454098, ExAC 0.001%). This variant has not been reported in the literature in individuals with TTN-related disease. This variant identified in the TTN gene is located in the A band of the resulting protein (PMID: 25589632). It is unclear how this variant impacts the function of this protein. Algorithms developed to predict the effect of missense changes on protein structure and function are unavailable for the TTN gene. Algorithms developed to predict the effect of sequence changes on RNA splicing suggest that this variant may create or strengthen a splice site, but this prediction has not been confirmed by published transcriptional studies. In summary, the available evidence is currently insufficient to determine the role of this variant in disease. Therefore, it has been classified as a Variant of Uncertain Significance.

Breakthrough Genomics
Classification: Uncertain significance. Review status: criteria provided, single submitter. Criteria: ACMG Guidelines, 2015. Collection method: not provided. Allele origin: germline. Inheritance: Autosomal recessive inheritance. Affected: yes.

Literature cited by the submitters: PubMed 25589632 (cited by Labcorp Genetics (formerly Invitae), Labcorp).

NM_001267550.2(TTN):c.79068A>G (p.Glu26356=)

Genes: TTN (titin; minus strand), TTN-AS1 (TTN antisense RNA 1; plus strand). Cytogenetic location: 2q31.2.
Variant type: single nucleotide variant.
Coding change: c.79068A>G on transcript NM_001267550.2 (MANE Select); coding-DNA position 79068, A replaced by G.
Protein change: p.Glu26356=; no amino-acid change (glutamic acid 26356 retained).
Molecular consequence: synonymous variant.
Genome position (GRCh38, 1-based): chr2:178,567,064, T>C on the plus strand (A>G on the coding strand, the complement: TTN is on the minus strand). VCF-style: chr2-178567064-T-C. GRCh37 (hg19) VCF-style: chr2-179431791-T-C.
Other names: c.74145A>G, p.Glu24715= (NM_001256850.1); c.51873A>G, p.Glu17291= (NM_003319.4); c.71364A>G, p.Glu23788= (NM_133378.4); c.52248A>G, p.Glu17416= (NM_133432.3); c.52449A>G, p.Glu17483= (NM_133437.4).
Identifiers: ClinVar variation 534979 (VCV000534979.9), dbSNP rs375454098, ClinGen allele CA1989532.